The following is an entry in ClinVar:

NM_020533.3(MCOLN1):c.499del (p.Gln167fs)

Gene: MCOLN1 (mucolipin TRP cation channel 1; plus strand). Cytogenetic location: 19p13.2.
Variant type: Deletion.
Coding change: c.499del on transcript NM_020533.3 (MANE Select); coding-DNA position 499, one base deleted (C; older notation c.499delC).
Protein change: p.Gln167fs; shifts the reading frame from glutamine 167.
Molecular consequence: frameshift variant.
Genome position (GRCh38, 1-based): chr19:7,526,854, C deleted; the last of 2 consecutive C bases (chr19:7,526,853-7,526,854); deleting either gives the same sequence. VCF-style (leftmost placement, unchanged base first): chr19-7526852-GC-G. GRCh37 (hg19) VCF-style: chr19-7591738-GC-G.
Other names: short protein forms Q167fs.
Identifiers: ClinVar variation 1726444 (VCV001726444.2), dbSNP rs2512469807, ClinGen allele CA2580097099.

ClinVar aggregate classification (germline): Likely pathogenic (1 of 4 stars; one submission).

Conditions:
Mucolipidosis type IV (ML4). Also called: ML IV. Identifiers: Orphanet 578, MedGen C0238286, MONDO:0009653, OMIM 252650.

Submission:

Myriad Genetics, Inc.
Classification: Likely pathogenic for Mucolipidosis type IV. Last evaluated: 2021-12-17. Review status: criteria provided, single submitter. Criteria: Myriad Women's Health Autosomal Recessive and X-Linked Classification Criteria (2021). Collection method: clinical testing. Allele origin: unknown.
Comment: NM_020533.2(MCOLN1):c.499delC(Q167Sfs*71) is expected to be pathogenic in the context of mucolipidosis IV. This variant is predicted to lead to an abnormal or absent protein product due to the creation of a premature termination codon in MCOLN1, a gene where loss-of-function variants are known to be pathogenic. Please note: this variant was assessed in the context of healthy population screening.